The following is an entry in ClinVar:

NM_000038.6(APC):c.2920G>T (p.Gly974Cys)

Gene: APC (APC regulator of WNT signaling pathway; plus strand). Cytogenetic location: 5q22.2.
Variant type: single nucleotide variant.
Coding change: c.2920G>T on transcript NM_000038.6 (MANE Select); coding-DNA position 2920, G replaced by T.
Protein change: p.Gly974Cys; replaces glycine 974 with cysteine.
Molecular consequence: missense variant.
Genome position (GRCh38, 1-based): chr5:112,838,514, G>T. VCF-style: chr5-112838514-G-T. GRCh37 (hg19) VCF-style: chr5-112174211-G-T.
Other names: c.2920G>T, p.Gly974Cys (NM_001127510.3, NM_001354895.2); c.2866G>T, p.Gly956Cys (NM_001127511.3); c.2974G>T, p.Gly992Cys (NM_001354896.2); c.2950G>T, p.Gly984Cys (NM_001354897.2); c.2845G>T, p.Gly949Cys (NM_001354898.2); c.2836G>T, p.Gly946Cys (NM_001354899.2); c.2797G>T, p.Gly933Cys (NM_001354900.2); c.2743G>T, p.Gly915Cys (NM_001354901.2); and 5 more; short protein forms G956C, G974C, G848C, G691C, G873C, G946C, G984C, G992C.
Identifiers: ClinVar variation 83240 (VCV000083240.2), dbSNP rs74561014, ClinGen allele CA007890.

ClinVar aggregate classification (germline): other (0 of 4 stars; one submission).

Conditions:
Familial colorectal cancer. Identifiers: MedGen CN280943, MONDO:0023113. Disease mechanism: loss of function.

Submission:

Systems Biology Platform Zhejiang California International NanoSystems Institute
Classification: other for Familial colorectal cancer. Review status: no assertion criteria provided. Collection method: not provided. Allele origin: unknown.
ClinVar note: Converted during submission from cancer to other.